The following is an entry in ClinVar:

ClinVar aggregate classification (germline): Uncertain significance (1 of 4 stars; one submission).

Submission:

Labcorp Genetics (formerly Invitae), Labcorp
Classification: Uncertain significance. Last evaluated: 2022-03-27. Review status: criteria provided, single submitter. Criteria: Invitae Variant Classification Sherloc (09022015). Collection method: clinical testing. Allele origin: germline.
Comment: This sequence change replaces arginine, which is basic and polar, with threonine, which is neutral and polar, at codon 828 of the HK1 protein (p.Arg828Thr). This variant is not present in population databases (gnomAD no frequency). In summary, the available evidence is currently insufficient to determine the role of this variant in disease. Therefore, it has been classified as a Variant of Uncertain Significance. Algorithms developed to predict the effect of missense changes on protein structure and function (SIFT, PolyPhen-2, Align-GVGD) all suggest that this variant is likely to be tolerated. This variant has not been reported in the literature in individuals affected with HK1-related conditions.

NM_000188.3(HK1):c.2483G>C (p.Arg828Thr)

Gene: HK1 (hexokinase 1; plus strand). Cytogenetic location: 10q22.1.
Variant type: single nucleotide variant.
Coding change: c.2483G>C on transcript NM_000188.3 (MANE Select); coding-DNA position 2483, G replaced by C.
Protein change: p.Arg828Thr; replaces arginine 828 with threonine.
Molecular consequence: missense variant.
Genome position (GRCh38, 1-based): chr10:69,398,702, G>C. VCF-style: chr10-69398702-G-C. GRCh37 (hg19) VCF-style: chr10-71158458-G-C.
Other names: c.2495G>C, p.Arg832Thr (NM_033498.3, NM_001322364.2, NM_001358263.1 and 1 more transcripts); c.2447G>C, p.Arg816Thr (NM_033500.2); c.2588G>C, p.Arg863Thr (NM_001322365.2); c.2399G>C, p.Arg800Thr (NM_001322366.1); c.2387G>C, p.Arg796Thr (NM_001322367.1); c.2480G>C, p.Arg827Thr (NM_033496.3); short protein forms R827T, R828T, R832T, R863T, R800T, R796T, R816T.
Identifiers: ClinVar variation 2114360 (VCV002114360.4), dbSNP rs768283836, ClinGen allele CA376916871.
Genomic context (GRCh38, chr10:69,398,702, plus strand): 5'-GTCTGAATAGCACCTGCGATGACAGTATCCTCGTCAAGACAGTGTGCGGGGTGGTGTCCA[G>C]GAGGGCCGCACAGCTGTGTGGCGCAGGCATGGCTGCGGTTGTGGATAAGATCCGCGAGAA-3'
Protein context (NP_000179.2, residues 818-838): LVKTVCGVVS[Arg828Thr]RAAQLCGAGM